The following is an entry in ClinVar:

NM_002485.5(NBN):c.904C>G (p.Leu302Val)

Gene: NBN (nibrin; minus strand). Cytogenetic location: 8q21.3.
Variant type: single nucleotide variant.
Coding change: c.904C>G on transcript NM_002485.5 (MANE Select); coding-DNA position 904, C replaced by G.
Protein change: p.Leu302Val; replaces leucine 302 with valine.
Molecular consequence: missense variant.
Genome position (GRCh38, 1-based): chr8:89,964,500, G>C on the plus strand (C>G on the coding strand, the complement: NBN is on the minus strand). VCF-style: chr8-89964500-G-C. GRCh37 (hg19) VCF-style: chr8-90976728-G-C.
Other names: c.658C>G, p.Leu220Val (NM_001024688.3); short protein forms L302V, L220V.
Identifiers: ClinVar variation 1439479 (VCV001439479.3), dbSNP rs2129787198, ClinGen allele CA371657153.

ClinVar aggregate classification (germline): Uncertain significance (1 of 4 stars; one submission).

Conditions:
Microcephaly, normal intelligence and immunodeficiency (NBS). Also called: Ataxia telangiectasia variant V1; IMMUNODEFICIENCY, MICROCEPHALY, AND CHROMOSOMAL INSTABILITY; BERLIN BREAKAGE SYNDROME; Immunodeficiency, microcephaly with normal intelligence; SEEMANOVA SYNDROME II; Nijmegen breakage syndrome. Identifiers: Orphanet 647, MedGen C0398791, MONDO:0009623, OMIM 251260.

Allele frequency attached by ClinVar (database versions not stated): gnomAD exomes below 0.00001.
gnomAD v4.1: 1 of 1,590,410 alleles (0.000063%); highest among the groups gnomAD compares: Non-Finnish European, 0.000086%; no homozygotes.

Submission:

Labcorp Genetics (formerly Invitae), Labcorp
Classification: Uncertain significance for Microcephaly, normal intelligence and immunodeficiency. Last evaluated: 2022-09-27. Review status: criteria provided, single submitter. Criteria: Invitae Variant Classification Sherloc (09022015). Collection method: clinical testing. Allele origin: germline.
Comment: This sequence change replaces leucine, which is neutral and non-polar, with valine, which is neutral and non-polar, at codon 302 of the NBN protein (p.Leu302Val). This variant is not present in population databases (gnomAD no frequency). This variant has not been reported in the literature in individuals affected with NBN-related conditions. ClinVar contains an entry for this variant (Variation ID: 1439479). Algorithms developed to predict the effect of missense changes on protein structure and function are either unavailable or do not agree on the potential impact of this missense change (SIFT: "Tolerated"; PolyPhen-2: "Possibly Damaging"; Align-GVGD: "Class C0"). In summary, the available evidence is currently insufficient to determine the role of this variant in disease. Therefore, it has been classified as a Variant of Uncertain Significance.